The following is an entry in ClinVar:

NM_153240.5(NPHP3):c.2731G>A (p.Val911Ile)

Genes: NPHP3 (nephrocystin 3; minus strand), NPHP3-ACAD11 (NPHP3-ACAD11 readthrough (NMD candidate); minus strand). Cytogenetic location: 3q22.1.
Variant type: single nucleotide variant.
Coding change: c.2731G>A on transcript NM_153240.5 (MANE Select); coding-DNA position 2731, G replaced by A.
Protein change: p.Val911Ile; replaces valine 911 with isoleucine.
Molecular consequence: missense variant. On other transcripts: non-coding transcript variant (1).
Genome position (GRCh38, 1-based): chr3:132,689,226, C>T on the plus strand (G>A on the coding strand, the complement: NPHP3 is on the minus strand). VCF-style: chr3-132689226-C-T. GRCh37 (hg19) VCF-style: chr3-132408070-C-T.
Other names: short protein forms V911I.
Identifiers: ClinVar variation 597088 (VCV000597088.15), dbSNP rs370506189, ClinGen allele CA2621935.

ClinVar aggregate classification (germline): Uncertain significance. Review status: criteria provided, multiple submitters, no conflicts (2 of 4 stars). 4 submissions from 4 submitters: Uncertain significance (4). Last evaluated 2024-11-12.

Conditions:
Inborn genetic diseases. Identifiers: MedGen C0950123, MeSH D030342.
Nephronophthisis. Also called: Juvenile Nephronophthisis. Identifiers: Orphanet 655, MedGen C0687120, MONDO:0019005, HP:0000090.

Allele frequency attached by ClinVar (database versions not stated): gnomAD 0.00002 and 0.00001; gnomAD exomes 0.00002 and 0.00001; ExAC 0.00003; ESP Exome Variant Server 0.00008; TOPMed 0.00001.
gnomAD v4.1: 20 of 1,614,034 alleles (0.0012%); highest among the groups gnomAD compares: South Asian, 0.0088%; no homozygotes.

Submissions (4):

Blueprint Genetics
Classification: Uncertain significance. Last evaluated: 2024-11-12. Review status: criteria provided, single submitter. Criteria: ACMG Guidelines, 2015. Collection method: clinical testing. Allele origin: germline.

Ambry Genetics
Classification: Uncertain significance for Inborn genetic diseases. Last evaluated: 2023-08-21. Review status: criteria provided, single submitter. Criteria: Ambry Variant Classification Scheme 2023. Collection method: clinical testing. Allele origin: germline.

Labcorp Genetics (formerly Invitae), Labcorp
Classification: Uncertain significance for Nephronophthisis. Last evaluated: 2022-05-30. Review status: criteria provided, single submitter. Criteria: Invitae Variant Classification Sherloc (09022015). Collection method: clinical testing. Allele origin: germline.
Comment: In summary, the available evidence is currently insufficient to determine the role of this variant in disease. Therefore, it has been classified as a Variant of Uncertain Significance. Algorithms developed to predict the effect of missense changes on protein structure and function are either unavailable or do not agree on the potential impact of this missense change (SIFT: "Deleterious"; PolyPhen-2: "Benign"; Align-GVGD: "Class C0"). ClinVar contains an entry for this variant (Variation ID: 597088). This variant has not been reported in the literature in individuals affected with NPHP3-related conditions. This variant is present in population databases (rs370506189, gnomAD 0.006%). This sequence change replaces valine, which is neutral and non-polar, with isoleucine, which is neutral and non-polar, at codon 911 of the NPHP3 protein (p.Val911Ile).

Eurofins Ntd Llc (ga)
Classification: Uncertain significance. Last evaluated: 2018-05-04. Review status: criteria provided, single submitter. Criteria: EGL ClinVar v180209 classification definitions. Collection method: clinical testing. Allele origin: germline. Observed: 1 variant allele, 1 heterozygote.